The following is an entry in ClinVar:

ClinVar aggregate classification (germline): Uncertain significance (1 of 4 stars; one submission).

Conditions:
Hereditary cancer-predisposing syndrome. Also called: Neoplastic Syndromes, Hereditary; Hereditary Cancer Syndrome; Hereditary neoplastic syndrome; Tumor predisposition. Identifiers: Orphanet 140162, MedGen C0027672, MeSH D009386, MONDO:0015356.

Submission:

Ambry Genetics
Classification: Uncertain significance for Hereditary cancer-predisposing syndrome. Last evaluated: 2026-03-26. Review status: criteria provided, single submitter. Criteria: Ambry Variant Classification Scheme 2023. Collection method: clinical testing. Allele origin: germline.
Comment: The p.T522S variant (also known as c.1564A>T), located in coding exon 11 of the FLCN gene, results from an A to T substitution at nucleotide position 1564. The threonine at codon 522 is replaced by serine, an amino acid with similar properties. This amino acid position is conserved. In addition, this alteration is predicted to be tolerated by in silico analysis. Based on the available evidence, the clinical significance of this variant remains unclear.

NM_144997.7(FLCN):c.1564A>T (p.Thr522Ser)

Gene: FLCN (folliculin; minus strand). Cytogenetic location: 17p11.2.
Variant type: single nucleotide variant.
Coding change: c.1564A>T on transcript NM_144997.7 (MANE Select); coding-DNA position 1564, A replaced by T.
Protein change: p.Thr522Ser; replaces threonine 522 with serine.
Molecular consequence: missense variant.
Genome position (GRCh38, 1-based): chr17:17,213,831, T>A on the plus strand (A>T on the coding strand, the complement: FLCN is on the minus strand). VCF-style: chr17-17213831-T-A. GRCh37 (hg19) VCF-style: chr17-17117145-T-A.
Other names: c.1618A>T, p.Thr540Ser (NM_001353229.2); c.1564A>T, p.Thr522Ser (NM_001353230.2, NM_001353231.2); short protein forms T522S, T540S.
Identifiers: ClinVar variation 4871372 (VCV004871372.1).